The following is an entry in ClinVar:

ClinVar aggregate classification (germline): Uncertain significance. Review status: criteria provided, multiple submitters, no conflicts (2 of 4 stars). 2 submissions from 2 submitters: Uncertain significance (2). Last evaluated 2026-06-18.

Conditions:
POLD1-related polyposis and colorectal cancer syndrome (CRCS10). Also called: Colorectal cancer 10; Colorectal cancer, susceptibility to, 10; COLORECTAL CANCER, SUSCEPTIBILITY TO, ON CHROMOSOME 19q. Identifiers: Orphanet 220460, MedGen C2675481, MONDO:0012953, OMIM 612591.
Hereditary cancer-predisposing syndrome. Also called: Tumor predisposition; Hereditary Cancer Syndrome; Hereditary neoplastic syndrome; Neoplastic Syndromes, Hereditary. Identifiers: Orphanet 140162, MedGen C0027672, MeSH D009386, MONDO:0015356.

Submissions (2):

Ambry Genetics
Classification: Uncertain significance for Hereditary cancer-predisposing syndrome. Last evaluated: 2026-06-18. Review status: criteria provided, single submitter. Criteria: Ambry Variant Classification Scheme 2023. Collection method: clinical testing. Allele origin: germline.
Comment: The p.P624A variant (also known as c.1870C>G), located in coding exon 14 of the POLD1 gene, results from a C to G substitution at nucleotide position 1870. The proline at codon 624 is replaced by alanine, an amino acid with highly similar properties. This amino acid position is conserved. In addition, this alteration is predicted to be tolerated by in silico analysis. Based on the available evidence, the clinical significance of this variant remains unclear.

Labcorp Genetics (formerly Invitae), Labcorp
Classification: Uncertain significance for POLD1-related polyposis and colorectal cancer syndrome. Last evaluated: 2020-10-19. Review status: criteria provided, single submitter. Criteria: Invitae Variant Classification Sherloc (09022015). Collection method: clinical testing. Allele origin: germline.
Comment: In summary, the available evidence is currently insufficient to determine the role of this variant in disease. Therefore, it has been classified as a Variant of Uncertain Significance. Algorithms developed to predict the effect of missense changes on protein structure and function (SIFT, PolyPhen-2, Align-GVGD) all suggest that this variant is likely to be tolerated, but these predictions have not been confirmed by published functional studies and their clinical significance is uncertain. This variant has not been reported in the literature in individuals with POLD1-related conditions. This variant is not present in population databases (ExAC no frequency). This sequence change replaces proline with alanine at codon 624 of the POLD1 protein (p.Pro624Ala). The proline residue is weakly conserved and there is a small physicochemical difference between proline and alanine.

NM_002691.4(POLD1):c.1870C>G (p.Pro624Ala)

Gene: POLD1 (DNA polymerase delta 1, catalytic subunit; plus strand). Cytogenetic location: 19q13.33.
Variant type: single nucleotide variant.
Coding change: c.1870C>G on transcript NM_002691.4 (MANE Select); coding-DNA position 1870, C replaced by G.
Protein change: p.Pro624Ala; replaces proline 624 with alanine.
Molecular consequence: missense variant. On other transcripts: non-coding transcript variant (1).
Genome position (GRCh38, 1-based): chr19:50,408,879, C>G. VCF-style: chr19-50408879-C-G. GRCh37 (hg19) VCF-style: chr19-50912136-C-G.
Other names: c.1870C>G (NM_002691.2); c.1870C>G, p.Pro624Ala (NM_001256849.1); c.1948C>G, p.Pro650Ala (NM_001308632.1); short protein forms P624A, P650A.
Identifiers: ClinVar variation 1045124 (VCV001045124.9), dbSNP rs2038993528, ClinGen allele CA406982127.